The following is an entry in ClinVar:

NM_001165963.4(SCN1A):c.1604G>A (p.Arg535His)

Gene: SCN1A (sodium voltage-gated channel alpha subunit 1; minus strand). Cytogenetic location: 2q24.3.
Variant type: single nucleotide variant.
Coding change: c.1604G>A on transcript NM_001165963.4 (MANE Select); coding-DNA position 1604, G replaced by A.
Protein change: p.Arg535His; replaces arginine 535 with histidine.
Molecular consequence: missense variant. On other transcripts: 5 prime UTR variant (1), non-coding transcript variant (1).
Genome position (GRCh38, 1-based): chr2:166,045,101, C>T on the plus strand (G>A on the coding strand, the complement: SCN1A is on the minus strand). VCF-style: chr2-166045101-C-T. GRCh37 (hg19) VCF-style: chr2-166901611-C-T.
Other names: p.R535H:CGC>CAC; c.1604G>A, p.Arg535His (NM_001165964.3, NM_001202435.3, NM_001353948.2 and 7 more transcripts); c.1601G>A, p.Arg534His (NM_001353954.2, NM_001353955.2, NM_001353960.2); c.-822G>A (NM_001353961.2); short protein forms R535H, R534H.
Identifiers: ClinVar variation 206770 (VCV000206770.13), dbSNP rs184524479, ClinGen allele CA317245.

ClinVar aggregate classification (germline): Conflicting classifications of pathogenicity. Review status: criteria provided, conflicting classifications (1 of 4 stars). 4 submissions from 4 submitters: Uncertain significance (3); Likely benign (1). Last evaluated 2026-01-14.

Conditions:
Severe myoclonic epilepsy in infancy (DRVT). Also called: DEVELOPMENTAL AND EPILEPTIC ENCEPHALOPATHY 6A; Severe Myoclonic Epilepsy in Infancy (SMEI); Epileptic encephalopathy, early infantile, 6 (Dravet syndrome); SEVERE MYOCLONIC EPILEPSY OF INFANCY; Dravet syndrome. Identifiers: Orphanet 33069, MedGen C0751122, MONDO:0100135, OMIM 607208.
Early-infantile DEE. Also called: Ohtahara syndrome; Early infantile epileptic encephalopathy; Early infantile epileptic encephalopathy with suppression bursts. Identifiers: Orphanet 1934, MedGen C0393706, MONDO:0800491.
Inborn genetic diseases. Identifiers: MedGen C0950123, MeSH D030342.

Allele frequency attached by ClinVar (database versions not stated): ExAC 0.00001; TOPMed 0.00002; gnomAD 0.00004 and 0.00005; 1000 Genomes Project 0.00020; 1000 Genomes Project 30x 0.00031.
gnomAD v4.1: 23 of 1,614,128 alleles (0.0014%); highest among the groups gnomAD compares: Admixed American, 0.013%; no homozygotes.

Submissions (4):

Labcorp Genetics (formerly Invitae), Labcorp
Classification: Likely benign for Early-infantile DEE. Last evaluated: 2026-01-14. Review status: criteria provided, single submitter. Criteria: Invitae Variant Classification Sherloc (09022015). Collection method: clinical testing. Allele origin: germline.

Ambry Genetics
Classification: Uncertain significance for Inborn genetic diseases. Last evaluated: 2021-07-14. Review status: criteria provided, single submitter. Criteria: Ambry Variant Classification Scheme 2023. Collection method: clinical testing. Allele origin: germline.
Comment: Fern&aacute;ndez-Marmiesse, 2019 Based on insufficient or conflicting evidence, the clinical significance of this alteration remains unclear.

GeneDx
Classification: Uncertain significance. Last evaluated: 2020-01-15. Review status: criteria provided, single submitter. Criteria: GeneDx Variant Classification Process June 2021. Collection method: clinical testing. Allele origin: germline. Affected: yes.
Comment: The majority of missense variants in this gene are considered pathogenic (Stenson et al., 2014); In silico analysis, which includes protein predictors and evolutionary conservation, supports a deleterious effect; Substitution is predicted to be in the cytoplasmic loop between the first and second homologous domains; Has not been previously published as pathogenic or benign to our knowledge; This variant is associated with the following publications: (PMID: 31780880)

NeuroMeGen, Hospital Clinico Santiago de Compostela
Classification: Uncertain significance for Severe myoclonic epilepsy in infancy. Last evaluated: 2018-01-01. Review status: criteria provided, single submitter. Criteria: ACMG Guidelines, 2015. Collection method: clinical testing. Allele origin: unknown. Affected: yes. Observed: 1 heterozygote.

Literature cited by the submitters: PubMed 31780880 (cited by Ambry Genetics).